The following is an entry in ClinVar:

ClinVar aggregate classification (germline): Likely benign (1 of 4 stars; one submission).

Submission:

CeGaT Center for Human Genetics Tuebingen
Classification: Likely benign. Last evaluated: 2025-10-01. Review status: criteria provided, single submitter. Criteria: CeGaT Center For Human Genetics Tuebingen Variant Classification Criteria Version 2. Collection method: clinical testing. Allele origin: germline. Affected: yes. Observed: 1 variant allele.
Comment: MUC19: BP4, BP7

NC_000012.12:g.40488574G>A

Gene: MUC19 (mucin 19, oligomeric (gene/pseudogene); plus strand). Cytogenetic location: 12q12.
Variant type: single nucleotide variant.
Genome position: GRCh38 VCF-style: chr12-40488574-G-A. GRCh37 (hg19) VCF-style: chr12-40882376-G-A.
Identifiers: ClinVar variation 4533740 (VCV004533740.6).